The following is an entry in ClinVar:

ClinVar aggregate classification (germline): Uncertain significance (1 of 4 stars; one submission).

Submission:

Labcorp Genetics (formerly Invitae), Labcorp
Classification: Uncertain significance. Last evaluated: 2022-11-04. Review status: criteria provided, single submitter. Criteria: Invitae Variant Classification Sherloc (09022015). Collection method: clinical testing. Allele origin: germline.
Comment: This variant is not present in population databases (gnomAD no frequency). This sequence change replaces lysine, which is basic and polar, with asparagine, which is neutral and polar, at codon 534 of the EMC1 protein (p.Lys534Asn). This variant has not been reported in the literature in individuals affected with EMC1-related conditions. In summary, the available evidence is currently insufficient to determine the role of this variant in disease. Therefore, it has been classified as a Variant of Uncertain Significance. Advanced modeling of protein sequence and biophysical properties (such as structural, functional, and spatial information, amino acid conservation, physicochemical variation, residue mobility, and thermodynamic stability) performed at Invitae indicates that this missense variant is expected to disrupt EMC1 protein function.

NM_015047.3(EMC1):c.1602G>T (p.Lys534Asn)

Genes: EMC1 (ER membrane protein complex subunit 1; minus strand), EMC1-AS1 (EMC1 antisense RNA 1; plus strand). Cytogenetic location: 1p36.13.
Variant type: single nucleotide variant.
Coding change: c.1602G>T on transcript NM_015047.3 (MANE Select); coding-DNA position 1602, G replaced by T.
Protein change: p.Lys534Asn; replaces lysine 534 with asparagine.
Molecular consequence: missense variant.
Genome position (GRCh38, 1-based): chr1:19,232,966, C>A on the plus strand (G>T on the coding strand, the complement: EMC1 is on the minus strand). VCF-style: chr1-19232966-C-A. GRCh37 (hg19) VCF-style: chr1-19559460-C-A.
Other names: c.1599G>T, p.Lys533Asn (NM_001271427.2, NM_001271428.2); c.1536G>T, p.Lys512Asn (NM_001271429.2); c.1611G>T, p.Lys537Asn (NM_001375820.1); c.1608G>T, p.Lys536Asn (NM_001375821.1); short protein forms K537N, K533N, K536N, K512N, K534N.
Identifiers: ClinVar variation 2812009 (VCV002812009.3), dbSNP rs2536732910, ClinGen allele CA338762275.